The following is an entry in ClinVar:

NM_005359.6(SMAD4):c.1529G>T (p.Gly510Val)

Gene: SMAD4 (SMAD family member 4; plus strand). Cytogenetic location: 18q21.2.
Variant type: single nucleotide variant.
Coding change: c.1529G>T on transcript NM_005359.6 (MANE Select); coding-DNA position 1529, G replaced by T.
Protein change: p.Gly510Val; replaces glycine 510 with valine.
Molecular consequence: missense variant.
Genome position (GRCh38, 1-based): chr18:51,078,337, G>T. VCF-style: chr18-51078337-G-T. GRCh37 (hg19) VCF-style: chr18-48604707-G-T.
Other names: short protein forms G510V.
Identifiers: ClinVar variation 1774574 (VCV001774574.3), dbSNP rs377767371, ClinGen allele CA259255.

ClinVar aggregate classification (germline): Conflicting classifications of pathogenicity. Review status: criteria provided, conflicting classifications (1 of 4 stars). 2 submissions from 2 submitters: Likely pathogenic (1); Uncertain significance (1). Last evaluated 2026-01-22.

Conditions:
Juvenile polyposis syndrome (JPS). Identifiers: Orphanet 2929, MedGen C0345893, MONDO:0017380, OMIM 174900.
Hereditary cancer-predisposing syndrome. Also called: Tumor predisposition; Neoplastic Syndromes, Hereditary; Hereditary Cancer Syndrome; Hereditary neoplastic syndrome. Identifiers: Orphanet 140162, MedGen C0027672, MeSH D009386, MONDO:0015356.
Familial thoracic aortic aneurysm and aortic dissection (TAAD). Also called: Thoracic aortic aneurysms and dissections. Identifiers: Orphanet 91387, MedGen C4707243, MONDO:0019625.

Submissions (2):

Labcorp Genetics (formerly Invitae), Labcorp
Classification: Uncertain significance for Juvenile polyposis syndrome. Last evaluated: 2026-01-22. Review status: criteria provided, single submitter. Criteria: Invitae Variant Classification Sherloc (09022015). Collection method: clinical testing. Allele origin: germline.
Comment: This sequence change replaces glycine, which is neutral and non-polar, with valine, which is neutral and non-polar, at codon 510 of the SMAD4 protein (p.Gly510Val). This variant is not present in population databases (gnomAD no frequency). This missense change has been observed in individual(s) with juvenile polyposis syndrome (PMID: 15235019). ClinVar contains an entry for this variant (Variation ID: 1774574). Invitae Evidence Modeling of protein sequence and biophysical properties (such as structural, functional, and spatial information, amino acid conservation, physicochemical variation, residue mobility, and thermodynamic stability) has been performed for this missense variant. However, the output from this modeling did not meet the statistical confidence thresholds required to predict the impact of this variant on SMAD4 protein function. In summary, the available evidence is currently insufficient to determine the role of this variant in disease. Therefore, it has been classified as a Variant of Uncertain Significance.

Ambry Genetics
Classification: Likely pathogenic for Hereditary cancer-predisposing syndrome; Familial thoracic aortic aneurysm and aortic dissection. Last evaluated: 2015-11-25. Review status: criteria provided, single submitter. Criteria: Ambry Variant Classification Scheme 2023. Collection method: clinical testing. Allele origin: germline.
Comment: The p.G510V variant (also known as c.1529G>T), located in coding exon 11 of the SMAD4 gene, results from a G to T substitution at nucleotide position 1529. The glycine at codon 510 is replaced by valine, an amino acid with dissimilar properties. This alteration has been detected in multiple individuals meeting clinical diagnostic criteria for Juvenile Polyposis syndrome (JPS) (Howe, JR et al. J Med Genet. 2004 Jul;41(7):484-91); Calva-Cerqueira, Clin Genet. 2009 Jan;75(1):79-85). This variant was previously reported in the SNPDatabase as rs377767371, but was absent from population-based cohorts in the NHLBI Exome Sequencing Project (ESP) and 1000 Genomes Project databases. To date, this alteration has been detected with an allele frequency of approximately 0.002% (greater than 65,000 alleles tested) in our clinical cohort. This amino acid position is highly conserved in available vertebrate species. In addition, this alteration is predicted to be deleterious by in silico analysis. Based on the majority of available evidence to date, this variant is likely to be pathogenic.

Literature cited by the submitters: PubMed 15235019 (cited by Labcorp Genetics (formerly Invitae), Labcorp).